The following is an entry in ClinVar:

NM_006922.4(SCN3A):c.5993A>G (p.Asn1998Ser)

Gene: SCN3A (sodium voltage-gated channel alpha subunit 3; minus strand). Cytogenetic location: 2q24.3.
Variant type: single nucleotide variant.
Coding change: c.5993A>G on transcript NM_006922.4 (MANE Select); coding-DNA position 5993, A replaced by G.
Protein change: p.Asn1998Ser; replaces asparagine 1998 with serine.
Molecular consequence: missense variant.
Genome position (GRCh38, 1-based): chr2:165,090,160, T>C on the plus strand (A>G on the coding strand, the complement: SCN3A is on the minus strand). VCF-style: chr2-165090160-T-C. GRCh37 (hg19) VCF-style: chr2-165946670-T-C.
Other names: c.5846A>G, p.Asn1949Ser (NM_001081676.2, NM_001081677.2); short protein forms N1949S, N1998S.
Identifiers: ClinVar variation 1520898 (VCV001520898.8), dbSNP rs2105615009, ClinGen allele CA349008758.

ClinVar aggregate classification (germline): Uncertain significance (1 of 4 stars; one submission).

Submission:

Labcorp Genetics (formerly Invitae), Labcorp
Classification: Uncertain significance. Last evaluated: 2021-05-06. Review status: criteria provided, single submitter. Criteria: Invitae Variant Classification Sherloc (09022015). Collection method: clinical testing. Allele origin: germline.
Comment: This sequence change replaces asparagine with serine at codon 1998 of the SCN3A protein (p.Asn1998Ser). The asparagine residue is moderately conserved and there is a small physicochemical difference between asparagine and serine. This variant is not present in population databases (ExAC no frequency). This variant has not been reported in the literature in individuals with SCN3A-related conditions. In summary, the available evidence is currently insufficient to determine the role of this variant in disease. Therefore, it has been classified as a Variant of Uncertain Significance. Algorithms developed to predict the effect of missense changes on protein structure and function (SIFT, PolyPhen-2, Align-GVGD) all suggest that this variant is likely to be tolerated, but these predictions have not been confirmed by published functional studies and their clinical significance is uncertain.